The following is an entry in ClinVar:

NM_003072.5(SMARCA4):c.2030C>G (p.Ala677Gly)

Gene: SMARCA4 (SWI/SNF related BAF chromatin remodeling complex subunit ATPase 4; plus strand). Cytogenetic location: 19p13.2.
Variant type: single nucleotide variant.
Coding change: c.2030C>G on transcript NM_003072.5 (MANE Select); coding-DNA position 2030, C replaced by G.
Protein change: p.Ala677Gly; replaces alanine 677 with glycine.
Molecular consequence: missense variant. On other transcripts: non-coding transcript variant (1).
Genome position (GRCh38, 1-based): chr19:11,007,930, C>G. VCF-style: chr19-11007930-C-G. GRCh37 (hg19) VCF-style: chr19-11118606-C-G.
Other names: c.2030C>G, p.Ala677Gly (NM_001411150.1, NM_001128844.3, NM_001128845.2 and 6 more transcripts); short protein forms A677G.
Identifiers: ClinVar variation 1784756 (VCV001784756.5), dbSNP rs2088396848, ClinGen allele CA404052427.

ClinVar aggregate classification (germline): Uncertain significance. Review status: criteria provided, multiple submitters, no conflicts (2 of 4 stars). 3 submissions from 3 submitters: Uncertain significance (3). Last evaluated 2024-08-13.

Conditions:
Hereditary cancer-predisposing syndrome. Also called: Neoplastic Syndromes, Hereditary; Tumor predisposition; Hereditary Cancer Syndrome; Hereditary neoplastic syndrome. Identifiers: Orphanet 140162, MedGen C0027672, MeSH D009386, MONDO:0015356.
Rhabdoid tumor predisposition syndrome 2 (RTPS2). Identifiers: Orphanet 231108, Orphanet 69077, MedGen C2750074, MONDO:0013224, OMIM 613325.

Allele frequency attached by ClinVar (database versions not stated): gnomAD exomes below 0.00001.
gnomAD v4.1: 1 of 1,613,658 alleles (0.000062%); highest among the groups gnomAD compares: South Asian, 0.0011%; no homozygotes.

Submissions (3):

Labcorp Genetics (formerly Invitae), Labcorp
Classification: Uncertain significance for Rhabdoid tumor predisposition syndrome 2. Last evaluated: 2024-08-13. Review status: criteria provided, single submitter. Criteria: Invitae Variant Classification Sherloc (09022015). Collection method: clinical testing. Allele origin: germline.
Comment: This sequence change replaces alanine, which is neutral and non-polar, with glycine, which is neutral and non-polar, at codon 677 of the SMARCA4 protein (p.Ala677Gly). This variant is not present in population databases (gnomAD no frequency). This variant has not been reported in the literature in individuals affected with SMARCA4-related conditions. ClinVar contains an entry for this variant (Variation ID: 1784756). Advanced modeling of protein sequence and biophysical properties (such as structural, functional, and spatial information, amino acid conservation, physicochemical variation, residue mobility, and thermodynamic stability) performed at Invitae indicates that this missense variant is not expected to disrupt SMARCA4 protein function with a negative predictive value of 95%. In summary, the available evidence is currently insufficient to determine the role of this variant in disease. Therefore, it has been classified as a Variant of Uncertain Significance.

Baylor Genetics
Classification: Uncertain significance for Rhabdoid tumor predisposition syndrome 2. Last evaluated: 2023-12-17. Review status: criteria provided, single submitter. Criteria: ACMG Guidelines, 2015. Collection method: clinical testing. Allele origin: unknown.

Ambry Genetics
Classification: Uncertain significance for Hereditary cancer-predisposing syndrome. Last evaluated: 2020-05-06. Review status: criteria provided, single submitter. Criteria: Ambry Variant Classification Scheme 2023. Collection method: clinical testing. Allele origin: germline.
Comment: The p.A677G variant (also known as c.2030C>G), located in coding exon 13 of the SMARCA4 gene, results from a C to G substitution at nucleotide position 2030. The alanine at codon 677 is replaced by glycine, an amino acid with similar properties. This amino acid position is not well conserved in available vertebrate species. In addition, this alteration is predicted to be tolerated by in silico analysis. Since supporting evidence is limited at this time, the clinical significance of this alteration remains unclear.